The following is an entry in ClinVar:

NM_001130438.3(SPTAN1):c.1421G>A (p.Arg474Gln)

Gene: SPTAN1 (spectrin alpha, non-erythrocytic 1; plus strand). Cytogenetic location: 9q34.11.
Variant type: single nucleotide variant.
Coding change: c.1421G>A on transcript NM_001130438.3 (MANE Select); coding-DNA position 1421, G replaced by A.
Protein change: p.Arg474Gln; replaces arginine 474 with glutamine.
Molecular consequence: missense variant.
Genome position (GRCh38, 1-based): chr9:128,581,019, G>A. VCF-style: chr9-128581019-G-A. GRCh37 (hg19) VCF-style: chr9-131343298-G-A.
Other names: c.1421G>A, p.Arg474Gln (NM_001195532.2, NM_001363759.2, NM_001363765.2 and 5 more transcripts); c.1457G>A, p.Arg486Gln (NM_001375312.2, NM_001375318.1); short protein forms R486Q, R474Q.
Identifiers: ClinVar variation 1385676 (VCV001385676.7), dbSNP rs2131089805, ClinGen allele CA375053706.
Genomic context (GRCh38, chr9:128,581,019, plus strand): 5'-AGCTGTGGGAGCTGCGCAGGCAGCAGTACGAGCAGTGCATGGACCTGCAGCTCTTCTACC[G>A]GGACACTGAGCAGGTGGACAACTGGATGAGCAAGCAGGAGGTAATCTGTGAGCAAAGCCT-3'
Protein context (NP_001123910.1, residues 464-484): EQCMDLQLFY[Arg474Gln]DTEQVDNWMS

ClinVar aggregate classification (germline): Uncertain significance (1 of 4 stars; one submission).

Conditions:
Early-infantile DEE. Also called: Early infantile epileptic encephalopathy with suppression bursts; Early infantile epileptic encephalopathy; Ohtahara syndrome. Identifiers: Orphanet 1934, MedGen C0393706, MONDO:0800491.

Allele frequency attached by ClinVar (database versions not stated): gnomAD exomes below 0.00001.
gnomAD v4.1: 2 of 1,614,096 alleles (0.00012%); highest among the groups gnomAD compares: Non-Finnish European, 0.000085%; no homozygotes.

Submission:

Labcorp Genetics (formerly Invitae), Labcorp
Classification: Uncertain significance for Early-infantile DEE. Last evaluated: 2023-07-07. Review status: criteria provided, single submitter. Criteria: Invitae Variant Classification Sherloc (09022015). Collection method: clinical testing. Allele origin: germline.
Comment: This sequence change replaces arginine, which is basic and polar, with glutamine, which is neutral and polar, at codon 474 of the SPTAN1 protein (p.Arg474Gln). This variant is not present in population databases (gnomAD no frequency). This variant has not been reported in the literature in individuals affected with SPTAN1-related conditions. ClinVar contains an entry for this variant (Variation ID: 1385676). Advanced modeling of protein sequence and biophysical properties (such as structural, functional, and spatial information, amino acid conservation, physicochemical variation, residue mobility, and thermodynamic stability) has been performed at Invitae for this missense variant, however the output from this modeling did not meet the statistical confidence thresholds required to predict the impact of this variant on SPTAN1 protein function. In summary, the available evidence is currently insufficient to determine the role of this variant in disease. Therefore, it has been classified as a Variant of Uncertain Significance.